The following is an entry in ClinVar:

NM_013447.4(ADGRE2):c.1536C>G (p.Cys512Trp)

Gene: ADGRE2 (adhesion G protein-coupled receptor E2; minus strand). Cytogenetic location: 19p13.12.
Variant type: single nucleotide variant.
Coding change: c.1536C>G on transcript NM_013447.4 (MANE Select); coding-DNA position 1536, C replaced by G.
Protein change: p.Cys512Trp; replaces cysteine 512 with tryptophan.
Molecular consequence: missense variant. On other transcripts: intron variant (1).
Genome position (GRCh38, 1-based): chr19:14,755,008, G>C on the plus strand (C>G on the coding strand, the complement: ADGRE2 is on the minus strand). VCF-style: chr19-14755008-G-C. GRCh37 (hg19) VCF-style: chr19-14865820-G-C.
Other names: c.1389C>G, p.Cys463Trp (NM_152916.2); c.1257C>G, p.Cys419Trp (NM_152917.2); c.1416+646C>G (NM_001271052.1); short protein forms C419W, C512W, C463W.
Identifiers: ClinVar variation 2009383 (VCV002009383.4), dbSNP rs1568598444, ClinGen allele CA404454143.

ClinVar aggregate classification (germline): Uncertain significance (1 of 4 stars; one submission).

Submission:

Labcorp Genetics (formerly Invitae), Labcorp
Classification: Uncertain significance. Last evaluated: 2022-06-22. Review status: criteria provided, single submitter. Criteria: Invitae Variant Classification Sherloc (09022015). Collection method: clinical testing. Allele origin: germline.
Comment: In summary, the available evidence is currently insufficient to determine the role of this variant in disease. Therefore, it has been classified as a Variant of Uncertain Significance. Algorithms developed to predict the effect of missense changes on protein structure and function are either unavailable or do not agree on the potential impact of this missense change (SIFT: "Deleterious"; PolyPhen-2: "Probably Damaging"; Align-GVGD: "Class C0"). This variant has not been reported in the literature in individuals affected with ADGRE2-related conditions. This variant is not present in population databases (gnomAD no frequency). This sequence change replaces cysteine, which is neutral and slightly polar, with tryptophan, which is neutral and slightly polar, at codon 512 of the ADGRE2 protein (p.Cys512Trp).